The following is an entry in ClinVar:

ClinVar aggregate classification (germline): Uncertain significance (1 of 4 stars; one submission).

Conditions:
Developmental and epileptic encephalopathy, 53. Also called: Epileptic encephalopathy, early infantile, 53. Identifiers: MedGen C4479313, MONDO:0033362, OMIM 617389.
Early-onset Parkinson disease 20. Also called: PARKINSON DISEASE 20, AUTOSOMAL RECESSIVE EARLY-ONSET. Identifiers: Orphanet 391411, MedGen C3809824, MONDO:0014233, OMIM 615530.

Allele frequency attached by ClinVar (database versions not stated): gnomAD exomes 0.00002; gnomAD 0.00003; TOPMed 0.00003.
gnomAD v4.1: 36 of 1,468,194 alleles (0.0025%); highest among the groups gnomAD compares: Non-Finnish European, 0.0032%; no homozygotes.

Submission:

Labcorp Genetics (formerly Invitae), Labcorp
Classification: Uncertain significance for Developmental and epileptic encephalopathy, 53; Early-onset Parkinson disease 20. Last evaluated: 2020-11-15. Review status: criteria provided, single submitter. Criteria: Invitae Variant Classification Sherloc (09022015). Collection method: clinical testing. Allele origin: germline.
Comment: Algorithms developed to predict the effect of missense changes on protein structure and function are either unavailable or do not agree on the potential impact of this missense change (SIFT: "Tolerated"; PolyPhen-2: "Possibly Damaging"; Align-GVGD: "Class C0"). This sequence change replaces glutamine with glutamic acid at codon 1140 of the SYNJ1 protein (p.Gln1140Glu). The glutamine residue is moderately conserved and there is a small physicochemical difference between glutamine and glutamic acid. The frequency data for this variant in the population databases is considered unreliable, as metrics indicate insufficient coverage at this position in the ExAC database. This variant has not been reported in the literature in individuals with SYNJ1-related conditions. In summary, the available evidence is currently insufficient to determine the role of this variant in disease. Therefore, it has been classified as a Variant of Uncertain Significance.

NM_203446.3(SYNJ1):c.3301C>G (p.Gln1101Glu)

Gene: SYNJ1 (synaptojanin 1; minus strand). Cytogenetic location: 21q22.11.
Variant type: single nucleotide variant.
Coding change: c.3301C>G on transcript NM_203446.3 (MANE Select); coding-DNA position 3301, C replaced by G.
Protein change: p.Gln1101Glu; replaces glutamine 1101 with glutamic acid.
Molecular consequence: missense variant.
Genome position (GRCh38, 1-based): chr21:32,645,736, G>C on the plus strand (C>G on the coding strand, the complement: SYNJ1 is on the minus strand). VCF-style: chr21-32645736-G-C. GRCh37 (hg19) VCF-style: chr21-34018046-G-C.
Other names: c.3301C>G, p.Gln1101Glu (NM_001160302.2); c.3286C>G, p.Gln1096Glu (NM_001160306.2); c.3418C>G, p.Gln1140Glu (NM_003895.4); short protein forms Q1096E, Q1101E, Q1140E.
Identifiers: ClinVar variation 1445629 (VCV001445629.7), dbSNP rs763783154, ClinGen allele CA319422836.